The following is an entry in ClinVar:

ClinVar aggregate classification (germline): Likely pathogenic (1 of 4 stars; one submission).

Conditions:
Epileptic encephalopathy. Identifiers: MedGen C0543888, HP:0200134.

Submission:

Cytogénomique, Hospices Civils de Lyon
Classification: Likely pathogenic for Epileptic encephalopathy. Last evaluated: 2020-02-18. Review status: criteria provided, single submitter. Criteria: ACMG Guidelines, 2015. Collection method: clinical testing. Allele origin: de novo. Inheritance: Sporadic. Affected: yes. Observed: 1 variant allele, 1 heterozygote.
Comment: Highly concordant with the phenotype. Confirmed de novo.

NM_001040142.2(SCN2A):c.164A>C (p.Asp55Ala)

Gene: SCN2A (sodium voltage-gated channel alpha subunit 2; plus strand). Cytogenetic location: 2q24.3.
Variant type: single nucleotide variant.
Coding change: c.164A>C on transcript NM_001040142.2 (MANE Select); coding-DNA position 164, A replaced by C.
Protein change: p.Asp55Ala; replaces aspartic acid 55 with alanine.
Molecular consequence: missense variant.
Genome position (GRCh38, 1-based): chr2:165,295,987, A>C. VCF-style: chr2-165295987-A-C. GRCh37 (hg19) VCF-style: chr2-166152497-A-C.
Other names: c.164A>C, p.Asp55Ala (NM_001040143.2, NM_001371246.1, NM_001371247.1 and 1 more transcripts); short protein forms D55A.
Identifiers: ClinVar variation 827673 (VCV000827673.2), dbSNP rs1574525321, ClinGen allele CA349010265.